The following is an entry in ClinVar:

ClinVar aggregate classification (germline): Likely benign. Review status: criteria provided, multiple submitters, no conflicts (2 of 4 stars). 3 submissions from 3 submitters: Likely benign (3). Last evaluated 2025-06-24.

Conditions:
Hyperaldosteronism, familial, type IV (HALD4). Also called: FH IV; ALDOSTERONISM, PRIMARY, AND HYPERTENSION. Identifiers: Orphanet 642671, MedGen C4310756, MONDO:0014875, OMIM 617027.
Idiopathic generalized epilepsy. Also called: EIG; Generalised epilepsy. Identifiers: MedGen C0270850, MONDO:0005579, OMIM 600669.
Epilepsy, childhood absence, susceptibility to, 6. Identifiers: Orphanet 64280, MedGen C2749872, MONDO:0012763, OMIM 611942.
CACNA1H-related disorder.

Allele frequency attached by ClinVar (database versions not stated): gnomAD exomes 0.00002 and 0.00006; ExAC 0.00003; gnomAD 0.00007 and 0.00008; TOPMed 0.00014.

Submissions (3):

PreventionGenetics, part of Exact Sciences
Classification: Likely benign for CACNA1H-related condition. Last evaluated: 2025-06-24. Review status: criteria provided, single submitter. Criteria: ACMG Guidelines, 2015. Collection method: clinical testing. Allele origin: germline.
Comment: This variant is classified as likely benign based on ACMG/AMP sequence variant interpretation guidelines (Richards et al. 2015 PMID: 25741868, with internal and published modifications).

Labcorp Genetics (formerly Invitae), Labcorp
Classification: Likely benign for Idiopathic generalized epilepsy; Hyperaldosteronism, familial, type IV. Last evaluated: 2025-03-16. Review status: criteria provided, single submitter. Criteria: Invitae Variant Classification Sherloc (09022015). Collection method: clinical testing. Allele origin: germline.

Fulgent Genetics
Classification: Likely benign for Epilepsy, childhood absence, susceptibility to, 6; Hyperaldosteronism, familial, type IV. Last evaluated: 2021-12-28. Review status: criteria provided, single submitter. Criteria: ACMG Guidelines, 2015. Collection method: clinical testing. Allele origin: unknown.

NM_021098.3(CACNA1H):c.6781C>T (p.Leu2261=)

Gene: CACNA1H (calcium voltage-gated channel subunit alpha1 H; plus strand). Cytogenetic location: 16p13.3.
Variant type: single nucleotide variant.
Coding change: c.6781C>T on transcript NM_021098.3 (MANE Select); coding-DNA position 6781, C replaced by T.
Protein change: p.Leu2261=; no amino-acid change (leucine 2261 retained).
Molecular consequence: synonymous variant.
Genome position (GRCh38, 1-based): chr16:1,220,713, C>T. VCF-style: chr16-1220713-C-T. GRCh37 (hg19) VCF-style: chr16-1270713-C-T.
Other names: c.6763C>T, p.Leu2255= (NM_001005407.2).
Identifiers: ClinVar variation 460179 (VCV000460179.13), dbSNP rs774253114, ClinGen allele CA7802497.